The following is an entry in ClinVar:

NM_201384.3(PLEC):c.10459G>A (p.Val3487Met)

Gene: PLEC (plectin; minus strand). Cytogenetic location: 8q24.3.
Variant type: single nucleotide variant.
Coding change: c.10459G>A on transcript NM_201384.3 (MANE Select); coding-DNA position 10459, G replaced by A.
Protein change: p.Val3487Met; replaces valine 3487 with methionine.
Molecular consequence: missense variant.
Genome position (GRCh38, 1-based): chr8:143,919,362, C>T on the plus strand (G>A on the coding strand, the complement: PLEC is on the minus strand). VCF-style: chr8-143919362-C-T. GRCh37 (hg19) VCF-style: chr8-144993530-C-T.
Other names: c.10540G>A, p.Val3514Met (NM_000445.5); c.10417G>A, p.Val3473Met (NM_201378.4); c.10393G>A, p.Val3465Met (NM_201379.3); c.10870G>A, p.Val3624Met (NM_201380.4); c.10363G>A, p.Val3455Met (NM_201381.3); c.10459G>A, p.Val3487Met (NM_201382.4); c.10471G>A, p.Val3491Met (NM_201383.3); short protein forms V3455M, V3465M, V3473M, V3487M, V3491M, V3514M, V3624M.
Identifiers: ClinVar variation 383675 (VCV000383675.25), dbSNP rs202001247, ClinGen allele CA4924645.

ClinVar aggregate classification (germline): Conflicting classifications of pathogenicity. Review status: criteria provided, conflicting classifications (1 of 4 stars). 7 submissions from 7 submitters: Uncertain significance (4); Likely benign (3). Last evaluated 2026-09-12.

Conditions:
Epidermolysis bullosa simplex with nail dystrophy (EBS5D). Identifiers: MedGen C4225309, MONDO:0014661, OMIM 616487.
Autosomal recessive limb-girdle muscular dystrophy type 2Q (LGMDR17). Also called: MUSCULAR DYSTROPHY, LIMB-GIRDLE, AUTOSOMAL RECESSIVE 17. Identifiers: Orphanet 254361, MedGen C3150989, MONDO:0013390, OMIM 613723.
Epidermolysis bullosa simplex, Ogna type (EBS5A). Also called: Pidermolysis bullosa simplex 5A, Ogna type; EPIDERMOLYSIS BULLOSA SIMPLEX 5A, OGNA TYPE. Identifiers: Orphanet 79401, MedGen C0432317, MONDO:0007555, OMIM 131950.
Epidermolysis bullosa simplex 5B, with muscular dystrophy (EBS5B). Also called: Epidermolysis bullosa simplex with muscular dystrophy; EPIDERMOLYSIS BULLOSA SIMPLEX AND LIMB-GIRDLE MUSCULAR DYSTROPHY. Identifiers: Orphanet 257, MedGen C2931072, MONDO:0009181, OMIM 226670.
Epidermolysis bullosa simplex 5C, with pyloric atresia (EBS5C). Also called: PLEC-Related Epidermolysis Bullosa with Pyloric Atresia; Epidermolysis bullosa simplex with pyloric atresia; PLEC1-Related Epidermolysis Bullosa with Pyloric Atresia. Identifiers: Orphanet 158684, MedGen C2677349, MONDO:0012807, OMIM 612138.
Inborn genetic diseases. Identifiers: MedGen C0950123, MeSH D030342.
PLEC-related disorder. Also called: PLEC-related disorders; PLEC-related condition.

Allele frequency attached by ClinVar (database versions not stated): TOPMed 0.00005; ESP Exome Variant Server 0.00008; gnomAD 0.00009 and 0.00011; gnomAD exomes 0.00010 and 0.00012; ExAC 0.00015; 1000 Genomes Project 30x 0.00047; 1000 Genomes Project 0.00060.
gnomAD v4.1: 200 of 1,613,830 alleles (0.012%); highest among the groups gnomAD compares: Middle Eastern, 0.017%; 1 homozygote.

Submissions (7):

PreventionGenetics, part of Exact Sciences
Classification: Uncertain significance for PLEC-related condition. Last evaluated: 2026-09-12. Review status: criteria provided, single submitter. Criteria: ACMG Guidelines, 2015. Collection method: clinical testing. Allele origin: germline.
Comment: The PLEC c.10540G>A variant is predicted to result in the amino acid substitution p.Val3514Met. To our knowledge, this variant has not been reported in the literature. This variant is reported in 0.024% of alleles in individuals of European (Finnish) descent in gnomAD. At this time, the clinical significance of this variant is uncertain due to the absence of conclusive functional and genetic evidence.

Labcorp Genetics (formerly Invitae), Labcorp
Classification: Uncertain significance for Autosomal recessive limb-girdle muscular dystrophy type 2Q; Epidermolysis bullosa simplex, Ogna type; Epidermolysis bullosa simplex with nail dystrophy; Epidermolysis bullosa simplex 5C, with pyloric atresia; Epidermolysis bullosa simplex 5B, with muscular dystrophy. Last evaluated: 2026-01-26. Review status: criteria provided, single submitter. Criteria: Invitae Variant Classification Sherloc (09022015). Collection method: clinical testing. Allele origin: germline.
Comment: This sequence change replaces valine, which is neutral and non-polar, with methionine, which is neutral and non-polar, at codon 3514 of the PLEC protein (p.Val3514Met). This variant is present in population databases (rs202001247, gnomAD 0.02%), including at least one homozygous and/or hemizygous individual. This variant has not been reported in the literature in individuals affected with PLEC-related conditions. ClinVar contains an entry for this variant (Variation ID: 383675). Invitae Evidence Modeling of protein sequence and biophysical properties (such as structural, functional, and spatial information, amino acid conservation, physicochemical variation, residue mobility, and thermodynamic stability) indicates that this missense variant is not expected to disrupt PLEC protein function with a negative predictive value of 80%. In summary, the available evidence is currently insufficient to determine the role of this variant in disease. Therefore, it has been classified as a Variant of Uncertain Significance.

CeGaT Center for Human Genetics Tuebingen
Classification: Likely benign. Last evaluated: 2025-06-01. Review status: criteria provided, single submitter. Criteria: CeGaT Center For Human Genetics Tuebingen Variant Classification Criteria Version 2. Collection method: clinical testing. Allele origin: germline. Affected: yes. Observed: 1 variant allele.
Comment: PLEC: BP4

Blueprint Genetics
Classification: Likely benign. Last evaluated: 2024-08-09. Review status: criteria provided, single submitter. Criteria: ACMG Guidelines, 2015. Collection method: clinical testing. Allele origin: germline.

Ambry Genetics
Classification: Uncertain significance for Inborn genetic diseases. Last evaluated: 2022-08-16. Review status: criteria provided, single submitter. Criteria: Ambry Variant Classification Scheme 2023. Collection method: clinical testing. Allele origin: germline.

GeneDx
Classification: Likely benign. Last evaluated: 2019-08-09. Review status: criteria provided, single submitter. Criteria: GeneDx Variant Classification Process June 2021. Collection method: clinical testing. Allele origin: germline. Affected: yes.

Revvity Omics, Revvity
Classification: Uncertain significance. Last evaluated: 2019-07-31. Review status: criteria provided, single submitter. Criteria: ACMG Guidelines, 2015. Collection method: clinical testing. Allele origin: germline.